The following is an entry in ClinVar:

NM_201384.3(PLEC):c.3074A>G (p.Glu1025Gly)

Gene: PLEC (plectin; minus strand). Cytogenetic location: 8q24.3.
Variant type: single nucleotide variant.
Coding change: c.3074A>G on transcript NM_201384.3 (MANE Select); coding-DNA position 3074, A replaced by G.
Protein change: p.Glu1025Gly; replaces glutamic acid 1025 with glycine.
Molecular consequence: missense variant.
Genome position (GRCh38, 1-based): chr8:143,929,421, T>C on the plus strand (A>G on the coding strand, the complement: PLEC is on the minus strand). VCF-style: chr8-143929421-T-C. GRCh37 (hg19) VCF-style: chr8-145003589-T-C.
Other names: c.3155A>G, p.Glu1052Gly (NM_001410941.1, NM_000445.5); c.3032A>G, p.Glu1011Gly (NM_201378.4); c.3008A>G, p.Glu1003Gly (NM_201379.3); c.3485A>G, p.Glu1162Gly (NM_201380.4); c.2978A>G, p.Glu993Gly (NM_201381.3); c.3074A>G, p.Glu1025Gly (NM_201382.4); c.3086A>G, p.Glu1029Gly (NM_201383.3); short protein forms E1003G, E1011G, E1025G, E1029G, E1052G, E1162G, E993G.
Identifiers: ClinVar variation 2689771 (VCV002689771.5), dbSNP rs2538477643, ClinGen allele CA372569370.
Genomic context (GRCh38, chr8:143,929,421, plus strand): 5'-GGGAGGAGGGATGGGGAGAGGGATGGGACTGGATGGGGGGGGACGGCCCCTGCCTGCTGC[T>C]CGGCGATGCGCTGGGCACACTCCCGTGCCGGCTCTTTGTCCAGCGGCAGCCGCAGGCGGT-3'
Protein context (NP_958786.1, residues 1015-1035): PARECAQRIA[Glu1025Gly]QQKAQAEVEG

ClinVar aggregate classification (germline): Uncertain significance. Review status: criteria provided, multiple submitters, no conflicts (2 of 4 stars). 2 submissions from 2 submitters: Uncertain significance (2). Last evaluated 2025-03-04.

Conditions:
Epidermolysis bullosa simplex 5B, with muscular dystrophy (EBS5B). Also called: Epidermolysis bullosa simplex with muscular dystrophy; EPIDERMOLYSIS BULLOSA SIMPLEX AND LIMB-GIRDLE MUSCULAR DYSTROPHY. Identifiers: Orphanet 257, MedGen C2931072, MONDO:0009181, OMIM 226670.
Autosomal recessive limb-girdle muscular dystrophy type 2Q (LGMDR17). Also called: MUSCULAR DYSTROPHY, LIMB-GIRDLE, AUTOSOMAL RECESSIVE 17. Identifiers: Orphanet 254361, MedGen C3150989, MONDO:0013390, OMIM 613723.
Epidermolysis bullosa simplex, Ogna type (EBS5A). Also called: Pidermolysis bullosa simplex 5A, Ogna type; EPIDERMOLYSIS BULLOSA SIMPLEX 5A, OGNA TYPE. Identifiers: Orphanet 79401, MedGen C0432317, MONDO:0007555, OMIM 131950.
Epidermolysis bullosa simplex 5C, with pyloric atresia (EBS5C). Also called: Epidermolysis bullosa simplex with pyloric atresia; PLEC-Related Epidermolysis Bullosa with Pyloric Atresia; PLEC1-Related Epidermolysis Bullosa with Pyloric Atresia. Identifiers: Orphanet 158684, MedGen C2677349, MONDO:0012807, OMIM 612138.
Epidermolysis bullosa simplex with nail dystrophy (EBS5D). Identifiers: MedGen C4225309, MONDO:0014661, OMIM 616487.

Allele frequency attached by ClinVar (database versions not stated): gnomAD exomes 0.00001.
gnomAD v4.1: 10 of 1,565,154 alleles (0.00064%); highest among the groups gnomAD compares: Non-Finnish European, 0.00086%; no homozygotes.

Submissions (2):

Labcorp Genetics (formerly Invitae), Labcorp
Classification: Uncertain significance for Autosomal recessive limb-girdle muscular dystrophy type 2Q; Epidermolysis bullosa simplex, Ogna type; Epidermolysis bullosa simplex with nail dystrophy; Epidermolysis bullosa simplex 5C, with pyloric atresia; Epidermolysis bullosa simplex 5B, with muscular dystrophy. Last evaluated: 2025-03-04. Review status: criteria provided, single submitter. Criteria: Invitae Variant Classification Sherloc (09022015). Collection method: clinical testing. Allele origin: germline.
Comment: This sequence change replaces glutamic acid, which is acidic and polar, with glycine, which is neutral and non-polar, at codon 1052 of the PLEC protein (p.Glu1052Gly). This variant is not present in population databases (gnomAD no frequency). This variant has not been reported in the literature in individuals affected with PLEC-related conditions. ClinVar contains an entry for this variant (Variation ID: 2689771). Invitae Evidence Modeling of protein sequence and biophysical properties (such as structural, functional, and spatial information, amino acid conservation, physicochemical variation, residue mobility, and thermodynamic stability) indicates that this missense variant is not expected to disrupt PLEC protein function with a negative predictive value of 80%. In summary, the available evidence is currently insufficient to determine the role of this variant in disease. Therefore, it has been classified as a Variant of Uncertain Significance.

Revvity Omics, Revvity
Classification: Uncertain significance. Last evaluated: 2023-06-28. Review status: criteria provided, single submitter. Criteria: ACMG Guidelines, 2015. Collection method: clinical testing. Allele origin: germline.